The following is an entry in ClinVar:

ClinVar aggregate classification (germline): Uncertain significance (1 of 4 stars; one submission).

Conditions:
Familial cancer of breast. Also called: BREAST CANCER, FAMILIAL; Hereditary breast cancer; hereditary breast carcinoma. Identifiers: Orphanet 227535, MedGen C0346153, MONDO:0016419, OMIM 114480. Disease mechanism: loss of function.
Fanconi anemia complementation group J. Also called: BRIP1-Related Fanconi Anemia. Identifiers: Orphanet 84, MedGen C1836860, MONDO:0012187, OMIM 609054.

Submission:

Labcorp Genetics (formerly Invitae), Labcorp
Classification: Uncertain significance for Familial cancer of breast; Fanconi anemia complementation group J. Last evaluated: 2021-07-18. Review status: criteria provided, single submitter. Criteria: Invitae Variant Classification Sherloc (09022015). Collection method: clinical testing. Allele origin: germline.
Comment: This sequence change replaces glutamic acid with lysine at codon 262 of the BRIP1 protein (p.Glu262Lys). The glutamic acid residue is highly conserved and there is a small physicochemical difference between glutamic acid and lysine. This variant is not present in population databases (ExAC no frequency). This variant has not been reported in the literature in individuals affected with BRIP1-related conditions. Algorithms developed to predict the effect of missense changes on protein structure and function are either unavailable or do not agree on the potential impact of this missense change (SIFT: "Deleterious"; PolyPhen-2: "Possibly Damaging"; Align-GVGD: "Class C15"). In summary, the available evidence is currently insufficient to determine the role of this variant in disease. Therefore, it has been classified as a Variant of Uncertain Significance.

NM_032043.3(BRIP1):c.784G>A (p.Glu262Lys)

Gene: BRIP1 (BRCA1 interacting DNA helicase 1; minus strand). Cytogenetic location: 17q23.2.
Variant type: single nucleotide variant.
Coding change: c.784G>A on transcript NM_032043.3 (MANE Select); coding-DNA position 784, G replaced by A.
Protein change: p.Glu262Lys; replaces glutamic acid 262 with lysine.
Molecular consequence: missense variant.
Genome position (GRCh38, 1-based): chr17:61,808,601, C>T on the plus strand (G>A on the coding strand, the complement: BRIP1 is on the minus strand). VCF-style: chr17-61808601-C-T. GRCh37 (hg19) VCF-style: chr17-59885962-C-T.
Other names: short protein forms E262K.
Identifiers: ClinVar variation 1449937 (VCV001449937.9), dbSNP rs2145416868, ClinGen allele CA400484915.